The following is an entry in ClinVar:

ClinVar aggregate classification (germline): Uncertain significance (1 of 4 stars; one submission).

Conditions:
Intellectual developmental disorder, X-linked 19. Also called: Intellectual disability, X-linked 19. Identifiers: Orphanet 777, MedGen C0796225, MONDO:0010447, OMIM 300844.
Coffin-Lowry syndrome (CLS). Also called: COFFIN-LOWRY SYNDROME, MILD; Mental retardation with osteocartilaginous abnormalities. Identifiers: Orphanet 192, MedGen C0265252, MONDO:0010561, OMIM 303600.

gnomAD v4.1: 3 of 1,182,508 alleles (0.00025%); highest among the groups gnomAD compares: African/African-American, 0.0018%; no homozygotes.

Submission:

New York Genome Center
Classification: Uncertain significance for Intellectual developmental disorder, X-linked 19; Coffin-Lowry syndrome. Last evaluated: 2021-08-27. Review status: criteria provided, single submitter. Criteria: NYGC Assertion Criteria 2020. Collection method: clinical testing. Allele origin: germline. Observed: 1 heterozygote. Study: CSER-NYCKidSeq.
Comment: The c.118C>G (p.Pro40Ala) variant identified in the RPS6KA3 gene substitutes a moderately conserved Proline for Alanine at amino acid 40/741 (exon2/22). This variant is absent from gnomAD(v3.1.1) suggesting it is not a common benign variant in the populations represented in that database. In silico algorithms predict this variant to be Tolerated (SIFT; score: 0.476) and Benign (REVEL; score:0.069) to the function of the canonical transcript. This variant is absent from ClinVar and to our current knowledge has not been reported in affected individuals in the literature. The p.Pro40 residue is not within a mapped domain of RPS6KA3 (UniProtKB:P51812). Given the lack of compelling evidence for its pathogenicity, the c.118C>G (p.Pro40Ala) variant identified in the RPS6KA3 gene is reported as a Variant of Uncertain Significance.

NM_004586.3(RPS6KA3):c.118C>G (p.Pro40Ala)

Gene: RPS6KA3 (ribosomal protein S6 kinase A3; minus strand). Cytogenetic location: Xp22.12.
Variant type: single nucleotide variant.
Coding change: c.118C>G on transcript NM_004586.3 (MANE Select); coding-DNA position 118, C replaced by G.
Protein change: p.Pro40Ala; replaces proline 40 with alanine.
Molecular consequence: missense variant.
Genome position (GRCh38, 1-based): chrX:20,234,766, G>C on the plus strand (C>G on the coding strand, the complement: RPS6KA3 is on the minus strand). VCF-style: chrX-20234766-G-C. GRCh37 (hg19) VCF-style: chrX-20252884-G-C.
Other names: short protein forms P40A.
Identifiers: ClinVar variation 1701770 (VCV001701770.2), dbSNP rs2148784759, ClinGen allele CA412515297.
Genomic context (GRCh38, chrX:20,234,766, plus strand): 5'-CTTTACAGTATTTCATTTATCTATACCCTTTGTGATAAAATATTTTACTTACAGTTTGTG[G>C]GTTAATCTCCTCCTCTCCCATAGGTTCATCCATAATTTGCTGTCCATTCTGTGAAAAGCA-3'
Protein context (NP_004577.1, residues 30-50): DEPMGEEEIN[Pro40Ala]QTEEVSIKEI